The following is an entry in ClinVar:

NM_144573.4(NEXN):c.616G>A (p.Glu206Lys)

Gene: NEXN (nexilin F-actin binding protein; plus strand). Cytogenetic location: 1p31.1.
Variant type: single nucleotide variant.
Coding change: c.616G>A on transcript NM_144573.4 (MANE Select); coding-DNA position 616, G replaced by A.
Protein change: p.Glu206Lys; replaces glutamic acid 206 with lysine.
Molecular consequence: missense variant.
Genome position (GRCh38, 1-based): chr1:77,926,540, G>A. VCF-style: chr1-77926540-G-A. GRCh37 (hg19) VCF-style: chr1-78392225-G-A.
Other names: c.424G>A, p.Glu142Lys (NM_001172309.2); short protein forms E206K, E142K.
Identifiers: ClinVar variation 520310 (VCV000520310.11), dbSNP rs370428679, ClinGen allele CA918688.

ClinVar aggregate classification (germline): Conflicting classifications of pathogenicity. Review status: criteria provided, conflicting classifications (1 of 4 stars). 3 submissions from 3 submitters: Uncertain significance (1); Likely benign (2). Last evaluated 2025-07-06.

Conditions:
Dilated cardiomyopathy 1CC (CMD1CC). Identifiers: Orphanet 154, MedGen C2751084, MONDO:0013147, OMIM 613122.
Hypertrophic cardiomyopathy 20. Identifiers: MedGen C3151267, MONDO:0013477, OMIM 613876.
Cardiovascular phenotype. Identifiers: MedGen CN230736.

Allele frequency attached by ClinVar (database versions not stated): TOPMed 0.00002; ESP Exome Variant Server 0.00008.

Submissions (3):

Labcorp Genetics (formerly Invitae), Labcorp
Classification: Uncertain significance for Dilated cardiomyopathy 1CC; Hypertrophic cardiomyopathy 20. Last evaluated: 2025-07-06. Review status: criteria provided, single submitter. Criteria: Invitae Variant Classification Sherloc (09022015). Collection method: clinical testing. Allele origin: germline.
Comment: This sequence change replaces glutamic acid, which is acidic and polar, with lysine, which is basic and polar, at codon 206 of the NEXN protein (p.Glu206Lys). This variant is present in population databases (rs370428679, gnomAD 0.1%). This variant has not been reported in the literature in individuals affected with NEXN-related conditions. ClinVar contains an entry for this variant (Variation ID: 520310). Invitae Evidence Modeling of protein sequence and biophysical properties (such as structural, functional, and spatial information, amino acid conservation, physicochemical variation, residue mobility, and thermodynamic stability) has been performed for this missense variant. However, the output from this modeling did not meet the statistical confidence thresholds required to predict the impact of this variant on NEXN protein function. In summary, the available evidence is currently insufficient to determine the role of this variant in disease. Therefore, it has been classified as a Variant of Uncertain Significance.

Ambry Genetics
Classification: Likely benign for Cardiovascular phenotype. Last evaluated: 2020-04-17. Review status: criteria provided, single submitter. Criteria: Ambry Variant Classification Scheme 2023. Collection method: clinical testing. Allele origin: germline.

GeneDx
Classification: Likely benign. Last evaluated: 2019-07-01. Review status: criteria provided, single submitter. Criteria: GeneDx Variant Classification Process June 2021. Collection method: clinical testing. Allele origin: germline. Affected: yes.